The following is an entry in ClinVar:

NM_000264.5(PTCH1):c.3963C>G (p.Asp1321Glu)

Gene: PTCH1 (patched 1; minus strand). Cytogenetic location: 9q22.32.
Variant type: single nucleotide variant.
Coding change: c.3963C>G on transcript NM_000264.5 (MANE Select); coding-DNA position 3963, C replaced by G.
Protein change: p.Asp1321Glu; replaces aspartic acid 1321 with glutamic acid.
Molecular consequence: missense variant. On other transcripts: non-coding transcript variant (1).
Genome position (GRCh38, 1-based): chr9:95,447,293, G>C on the plus strand (C>G on the coding strand, the complement: PTCH1 is on the minus strand). VCF-style: chr9-95447293-G-C. GRCh37 (hg19) VCF-style: chr9-98209575-G-C.
Other names: c.3765C>G, p.Asp1255Glu (NM_001083602.3); c.3960C>G, p.Asp1320Glu (NM_001083603.3); c.3510C>G, p.Asp1170Glu (NM_001083604.3, NM_001083605.3, NM_001083606.3 and 1 more transcripts); c.3807C>G, p.Asp1269Glu (NM_001354918.2); short protein forms D1170E, D1255E, D1269E, D1320E, D1321E.
Identifiers: ClinVar variation 3231035 (VCV003231035.1), dbSNP rs139071993, ClinGen allele CA374110581.
Genomic context (GRCh38, chr9:95,447,293, plus strand): 5'-AGGGCCCCAGCGGGCCCTATTGCTAGGGCCAGAATGCCCTTCAGTAGAAATTTCAAAAGC[G>C]TCTCTGCGCGGTCTGTAGGGGGGTGGCCACAAGCCTTCTCTGGGGGGGTCCCTGCGGGGC-3'
Protein context (NP_000255.2, residues 1311-1331): LWPPPYRPRR[Asp1321Glu]AFEISTEGHS

ClinVar aggregate classification (germline): Uncertain significance (1 of 4 stars; one submission).

Conditions:
Hereditary cancer-predisposing syndrome. Also called: Neoplastic Syndromes, Hereditary; Tumor predisposition; Hereditary neoplastic syndrome; Hereditary Cancer Syndrome. Identifiers: Orphanet 140162, MedGen C0027672, MeSH D009386, MONDO:0015356.

Submission:

Ambry Genetics
Classification: Uncertain significance for Hereditary cancer-predisposing syndrome. Last evaluated: 2024-03-09. Review status: criteria provided, single submitter. Criteria: Ambry Variant Classification Scheme 2023. Collection method: clinical testing. Allele origin: germline.
Comment: The p.D1321E variant (also known as c.3963C>G), located in coding exon 23 of the PTCH1 gene, results from a C to G substitution at nucleotide position 3963. The aspartic acid at codon 1321 is replaced by glutamic acid, an amino acid with highly similar properties. This amino acid position is conserved. In addition, the in silico prediction for this alteration is inconclusive. Based on the available evidence, the clinical significance of this alteration remains unclear.